The following is an entry in ClinVar:

ClinVar aggregate classification (germline): Benign (1 of 4 stars; one submission).

Submission:

GeneDx
Classification: Benign. Last evaluated: 2018-06-16. Review status: criteria provided, single submitter. Criteria: GeneDx Variant Classification (06012015). Collection method: clinical testing. Allele origin: germline. Affected: yes.
Comment: This variant is considered likely benign or benign based on one or more of the following criteria: it is a conservative change, it occurs at a poorly conserved position in the protein, it is predicted to be benign by multiple in silico algorithms, and/or has population frequency not consistent with disease.

NM_017617.5(NOTCH1):c.1669+125_1669+132del

Gene: NOTCH1 (notch receptor 1; minus strand). Cytogenetic location: 9q34.3.
Variant type: Deletion.
Coding change: c.1669+125_1669+132del on transcript NM_017617.5 (MANE Select); bases 125 to 132 of the intron after coding-DNA position 1669, 8 bases deleted (TCAGCCCC; older notation c.1669+125_1669+132delTCAGCCCC).
Molecular consequence: intron variant.
Genome position (GRCh38, 1-based): chr9:136,515,849-136,515,856, GGGGCTGA deleted on the plus strand (TCAGCCCC on the coding strand, the reverse complement: NOTCH1 is on the minus strand); deleting any 8 consecutive bases within chr9:136,515,849-136,515,857 gives the same sequence; the c. name uses the placement nearest the transcript's 3' end. VCF-style (leftmost placement, unchanged base first): chr9-136515848-TGGGGCTGA-T. GRCh37 (hg19) VCF-style: chr9-139410300-TGGGGCTGA-T.
Identifiers: ClinVar variation 678553 (VCV000678553.1), dbSNP rs11278843, ClinGen allele CA201587137.